The following is an entry in ClinVar:

ClinVar aggregate classification (germline): Conflicting classifications of pathogenicity. Review status: criteria provided, conflicting classifications (1 of 4 stars). 3 submissions from 3 submitters: Uncertain significance (2); Likely benign (1). Last evaluated 2026-01-19.

Conditions:
Sulfite oxidase deficiency. Also called: Isolated sulfite oxidase deficiency. Identifiers: Orphanet 833, Orphanet 99731, MedGen C0268624, MONDO:0010089, OMIM 272300, HP:0003643.

Allele frequency attached by ClinVar (database versions not stated): TOPMed below 0.00001; gnomAD 0.00001; gnomAD exomes 0.00005 and 0.00012; ExAC 0.00012; 1000 Genomes Project 30x 0.00016; 1000 Genomes Project 0.00020.
gnomAD v4.1: 73 of 1,614,120 alleles (0.0045%); highest among the groups gnomAD compares: South Asian, 0.072%; no homozygotes.

Submissions (3):

Labcorp Genetics (formerly Invitae), Labcorp
Classification: Likely benign for Sulfite oxidase deficiency. Last evaluated: 2026-01-19. Review status: criteria provided, single submitter. Criteria: Invitae Variant Classification Sherloc (09022015). Collection method: clinical testing. Allele origin: germline.

Neuberg Centre For Genomic Medicine, NCGM
Classification: Uncertain significance for Sulfite oxidase deficiency. Last evaluated: 2023-02-14. Review status: criteria provided, single submitter. Criteria: ACMG Guidelines, 2015. Collection method: clinical testing. Allele origin: germline. Inheritance: Autosomal recessive inheritance. Affected: yes.
Comment: The missense c.983C>T (p.Thr328Ile) variant in SUOX gene has not been reported previously as a pathogenic variant nor as a benign variant, to our knowledge. The p.Thr328Ile variant is reported with an allele frequency of 0.01% in the gnomAD exomes database. This variant has been reported to the ClinVar database as Uncertain Significance. The amino acid change p.Thr328Ile in SUOX is predicted as conserved by GERP++ and PhyloP across 100 vertebrates. The amino acid Thr at position 328 is changed to a Ile changing protein sequence and it might alter its composition and physico-chemical properties. For these reasons, this variant has been classified as a Variant of Uncertain Significance (VUS).

Illumina Laboratory Services, Illumina
Classification: Uncertain significance for Sulfite oxidase deficiency. Last evaluated: 2018-01-12. Review status: criteria provided, single submitter. Criteria: ICSL Variant Classification Criteria 13 December 2019. Collection method: clinical testing. Allele origin: germline.

NM_001032386.2(SUOX):c.983C>T (p.Thr328Ile)

Gene: SUOX (sulfite oxidase; plus strand). Cytogenetic location: 12q13.2.
Variant type: single nucleotide variant.
Coding change: c.983C>T on transcript NM_001032386.2 (MANE Select); coding-DNA position 983, C replaced by T.
Protein change: p.Thr328Ile; replaces threonine 328 with isoleucine.
Molecular consequence: missense variant.
Genome position (GRCh38, 1-based): chr12:56,004,372, C>T. VCF-style: chr12-56004372-C-T. GRCh37 (hg19) VCF-style: chr12-56398156-C-T.
Other names: c.983C>T, p.Thr328Ile (NM_000456.3, NM_001032387.2); short protein forms T328I.
Identifiers: ClinVar variation 309839 (VCV000309839.14), dbSNP rs540792428, ClinGen allele CA6621074.